The following is an entry in ClinVar:

NM_001378030.1(CCDC78):c.934G>A (p.Glu312Lys)

Gene: CCDC78 (coiled-coil domain containing 78; minus strand). Cytogenetic location: 16p13.3.
Variant type: single nucleotide variant.
Coding change: c.934G>A on transcript NM_001378030.1 (MANE Select); coding-DNA position 934, G replaced by A.
Protein change: p.Glu312Lys; replaces glutamic acid 312 with lysine.
Molecular consequence: missense variant. On other transcripts: non-coding transcript variant (5).
Genome position (GRCh38, 1-based): chr16:724,341, C>T on the plus strand (G>A on the coding strand, the complement: CCDC78 is on the minus strand). VCF-style: chr16-724341-C-T. GRCh37 (hg19) VCF-style: chr16-774341-C-T.
Other names: c.934G>A, p.Glu312Lys (NM_001031737.3, NM_001378031.1); c.367G>A, p.Glu123Lys (NM_001378033.1); c.934G>A (NM_001031737.2); short protein forms E123K, E312K.
Identifiers: ClinVar variation 1346709 (VCV001346709.7), dbSNP rs767319981, ClinGen allele CA7789347.

ClinVar aggregate classification (germline): Uncertain significance. Review status: criteria provided, multiple submitters, no conflicts (2 of 4 stars). 2 submissions from 2 submitters: Uncertain significance (2). Last evaluated 2024-07-25.

Conditions:
Inborn genetic diseases. Identifiers: MedGen C0950123, MeSH D030342.
Congenital myopathy with internal nuclei and atypical cores. Also called: Myopathy, centronuclear, 4. Identifiers: Orphanet 319160, MedGen C4707232, MONDO:0013890, OMIM 614807.

Allele frequency attached by ClinVar (database versions not stated): gnomAD 0.00001 and 0.00002; ExAC 0.00002; gnomAD exomes 0.00002.
gnomAD v4.1: 23 of 1,612,086 alleles (0.0014%); highest among the groups gnomAD compares: South Asian, 0.022%; no homozygotes.

Submissions (2):

Ambry Genetics
Classification: Uncertain significance for Inborn genetic diseases. Last evaluated: 2024-07-25. Review status: criteria provided, single submitter. Criteria: Ambry Variant Classification Scheme 2023. Collection method: clinical testing. Allele origin: germline.

Labcorp Genetics (formerly Invitae), Labcorp
Classification: Uncertain significance for Congenital myopathy with internal nuclei and atypical cores. Last evaluated: 2022-04-17. Review status: criteria provided, single submitter. Criteria: Invitae Variant Classification Sherloc (09022015). Collection method: clinical testing. Allele origin: germline.
Comment: This variant is present in population databases (rs767319981, gnomAD 0.01%). This sequence change replaces glutamic acid, which is acidic and polar, with lysine, which is basic and polar, at codon 312 of the CCDC78 protein (p.Glu312Lys). This variant has not been reported in the literature in individuals affected with CCDC78-related conditions. Algorithms developed to predict the effect of missense changes on protein structure and function (SIFT, PolyPhen-2, Align-GVGD) all suggest that this variant is likely to be tolerated. In summary, the available evidence is currently insufficient to determine the role of this variant in disease. Therefore, it has been classified as a Variant of Uncertain Significance.